The following is an entry in ClinVar:

NM_022124.6(CDH23):c.9151C>T (p.Gln3051Ter)

Gene: CDH23 (cadherin related 23; plus strand). Cytogenetic location: 10q22.1.
Variant type: single nucleotide variant.
Coding change: c.9151C>T on transcript NM_022124.6 (MANE Select); coding-DNA position 9151, C replaced by T.
Protein change: p.Gln3051Ter; replaces glutamine 3051 with a stop codon.
Molecular consequence: nonsense.
Genome position (GRCh38, 1-based): chr10:71,811,388, C>T. VCF-style: chr10-71811388-C-T. GRCh37 (hg19) VCF-style: chr10-73571145-C-T.
Other names: c.2431C>T, p.Gln811Ter (NM_001171933.1, NM_001171934.1); short protein forms Q3051*, Q811*.
Identifiers: ClinVar variation 3601742 (VCV003601742.1).

ClinVar aggregate classification (germline): Pathogenic (1 of 4 stars; one submission).

Conditions:
Autosomal recessive nonsyndromic hearing loss 12. Also called: DEAFNESS, AUTOSOMAL RECESSIVE 12. Identifiers: Orphanet 90636, MedGen C1832394, MONDO:0011067, OMIM 601386.

gnomAD v4.1: 1 of 1,613,792 alleles (0.000062%); highest among the groups gnomAD compares: Non-Finnish European, 0.000085%; no homozygotes.

Submission:

Institute of Rare Diseases, West China Hospital, Sichuan University
Classification: Pathogenic for Autosomal recessive nonsyndromic hearing loss 12. Last evaluated: 2025-01-09. Review status: criteria provided, single submitter. Criteria: ClinGen HL ACMG Specifications v1. Collection method: research. Allele origin: germline. Affected: yes.
Comment: PVS1;PP1;PM2_Supporting